The following is an entry in ClinVar:

NM_014009.4(FOXP3):c.877C>G (p.Pro293Ala)

Gene: FOXP3 (forkhead box P3; minus strand). Cytogenetic location: Xp11.23.
Variant type: single nucleotide variant.
Coding change: c.877C>G on transcript NM_014009.4 (MANE Select); coding-DNA position 877, C replaced by G.
Protein change: p.Pro293Ala; replaces proline 293 with alanine.
Molecular consequence: missense variant.
Genome position (GRCh38, 1-based): chrX:49,254,007, G>C on the plus strand (C>G on the coding strand, the complement: FOXP3 is on the minus strand). VCF-style: chrX-49254007-G-C. GRCh37 (hg19) VCF-style: chrX-49110468-G-C.
Other names: c.772C>G, p.Pro258Ala (NM_001114377.2); short protein forms P258A, P293A.
Identifiers: ClinVar variation 3375656 (VCV003375656.4).

ClinVar aggregate classification (germline): Uncertain significance. Review status: criteria provided, multiple submitters, no conflicts (2 of 4 stars). 2 submissions from 2 submitters: Uncertain significance (2). Last evaluated 2026-09-11.

Conditions:
Insulin-dependent diabetes mellitus secretory diarrhea syndrome (IPEX). Also called: X-Linked Autoimmunity-Allergic Dysregulation Syndrome; Immunodeficiency, Polyendocrinopathy, and Enteropathy X-Linked Syndrome; X-Linked Syndrome of Polyendocrinopathy, Immune Dysfunction, and Diarrhea; Immune dysregulation-polyendocrinopathy-enteropathy-X-linked syndrome; DIABETES MELLITUS, CONGENITAL INSULIN-DEPENDENT, WITH FATAL SECRETORY DIARRHEA; DIARRHEA, POLYENDOCRINOPATHY, FATAL INFECTION SYNDROME, X-LINKED. Identifiers: Orphanet 37042, MedGen C0342288, MONDO:0010580, OMIM 304790. Disease mechanism: loss of function.

Submissions (2):

GeneDx
Classification: Uncertain significance. Last evaluated: 2026-09-11. Review status: criteria provided, single submitter. Criteria: GeneDx Variant Classification Process June 2021. Collection method: clinical testing. Allele origin: germline.
Comment: Not observed at significant frequency in large population cohorts (gnomAD); In silico analysis supports that this missense variant has a deleterious effect on protein structure/function; Has not been previously published as pathogenic or benign to our knowledge

Labcorp Genetics (formerly Invitae), Labcorp
Classification: Uncertain significance for Insulin-dependent diabetes mellitus secretory diarrhea syndrome. Last evaluated: 2025-01-23. Review status: criteria provided, single submitter. Criteria: Invitae Variant Classification Sherloc (09022015). Collection method: clinical testing. Allele origin: germline.
Comment: This sequence change replaces proline, which is neutral and non-polar, with alanine, which is neutral and non-polar, at codon 293 of the FOXP3 protein (p.Pro293Ala). This variant is not present in population databases (gnomAD no frequency). This variant has not been reported in the literature in individuals affected with FOXP3-related conditions. Invitae Evidence Modeling of protein sequence and biophysical properties (such as structural, functional, and spatial information, amino acid conservation, physicochemical variation, residue mobility, and thermodynamic stability) indicates that this missense variant is not expected to disrupt FOXP3 protein function with a negative predictive value of 80%. In summary, the available evidence is currently insufficient to determine the role of this variant in disease. Therefore, it has been classified as a Variant of Uncertain Significance.